The following is an entry in ClinVar:

NM_006996.3(SLC19A2):c.515G>T (p.Gly172Val)

Gene: SLC19A2 (solute carrier family 19 member 2; minus strand). Cytogenetic location: 1q24.2.
Variant type: single nucleotide variant.
Coding change: c.515G>T on transcript NM_006996.3 (MANE Select); coding-DNA position 515, G replaced by T.
Protein change: p.Gly172Val; replaces glycine 172 with valine.
Molecular consequence: missense variant. On other transcripts: intron variant (1).
Genome position (GRCh38, 1-based): chr1:169,477,447, C>A on the plus strand (G>T on the coding strand, the complement: SLC19A2 is on the minus strand). VCF-style: chr1-169477447-C-A. GRCh37 (hg19) VCF-style: chr1-169446685-C-A.
Other names: c.205-7261G>T (NM_001319667.1); short protein forms G172V.
Identifiers: ClinVar variation 3896598 (VCV003896598.2).

ClinVar aggregate classification (germline): Uncertain significance (1 of 4 stars; one submission).

gnomAD v4.1: 2 of 1,614,138 alleles (0.00012%); highest among the groups gnomAD compares: Admixed American, 0.0017%; no homozygotes.

Submission:

Women's Health and Genetics/Laboratory Corporation of America, LabCorp
Classification: Uncertain significance. Last evaluated: 2025-04-30. Review status: criteria provided, single submitter. Criteria: LabCorp Variant Classification Summary - May 2015. Collection method: clinical testing. Allele origin: germline.
Comment: Variant summary: SLC19A2 c.515G>T (p.Gly172Val) results in a non-conservative amino acid change located in the MFS general substrate transporter like domain (IPR036259) of the encoded protein sequence. Five of five in-silico tools predict a damaging effect of the variant on protein function. The variant allele was found at a frequency of 4e-06 in 251404 control chromosomes. The available data on variant occurrences in the general population are insufficient to allow any conclusion about variant significance. To our knowledge, no occurrence of c.515G>T in individuals affected with Megaloblastic anemia, thiamine-responsive, with diabetes mellitus and sensorineural deafness and no experimental evidence demonstrating its impact on protein function have been reported. c.515G>A (p.Gly172Asp) has been associated with disease in ClinVar. No submitters have cited clinical-significance assessments for this variant to ClinVar. Based on the evidence outlined above, the variant was classified as uncertain significance.